The following is an entry in ClinVar:

NM_001377299.1(NDUFS2):c.998G>A (p.Arg333Gln)

Gene: NDUFS2 (NADH:ubiquinone oxidoreductase core subunit S2; plus strand). Cytogenetic location: 1q23.3.
Variant type: single nucleotide variant.
Coding change: c.998G>A on transcript NM_001377299.1 (MANE Select); coding-DNA position 998, G replaced by A.
Protein change: p.Arg333Gln; replaces arginine 333 with glutamine.
Molecular consequence: missense variant.
Genome position (GRCh38, 1-based): chr1:161,212,362, G>A. VCF-style: chr1-161212362-G-A. GRCh37 (hg19) VCF-style: chr1-161182152-G-A.
Other names: c.998G>A, p.Arg333Gln (NM_001166159.2, NM_001377298.1, NM_001377300.1 and 3 more transcripts); short protein forms R333Q.
Identifiers: ClinVar variation 1303015 (VCV001303015.11), dbSNP rs150981760, ClinGen allele CA1208756.
Genomic context (GRCh38, chr1:161,212,362, plus strand): 5'-TACCTGCTCCTCTGACTGTTCTTCTCTTGCTCTGTCTCATCTTCTTGAGGTACCTGTGCC[G>A]GGTGGAGGAGATGCGCCAGTCCCTGAGAATTATCGCACAGTGTCTAAACAAGATGCCTCC-3'
Protein context (NP_001364228.1, residues 323-343): RGDCYDRYLC[Arg333Gln]VEEMRQSLRI

ClinVar aggregate classification (germline): Conflicting classifications of pathogenicity. Review status: criteria provided, conflicting classifications (1 of 4 stars). 5 submissions from 5 submitters: Likely pathogenic (1); Uncertain significance (4). Last evaluated 2024-12-13.

Conditions:
NDUFS2-related disorders.
Mitochondrial complex I deficiency, nuclear type 6. Also called: Mitochondrial complex 1 deficiency, nuclear type 6. Identifiers: MedGen C4748759, MONDO:0032611, OMIM 618228.

Allele frequency attached by ClinVar (database versions not stated): gnomAD 0.00003 and 0.00004; ESP Exome Variant Server 0.00008.
gnomAD v4.1: 68 of 1,613,282 alleles (0.0042%); highest among the groups gnomAD compares: Non-Finnish European, 0.0055%; no homozygotes.

Submissions (5):

GeneDx
Classification: Uncertain significance. Last evaluated: 2024-12-13. Review status: criteria provided, single submitter. Criteria: GeneDx Variant Classification Process June 2021. Collection method: clinical testing. Allele origin: germline. Affected: yes.
Comment: Not observed at significant frequency in large population cohorts (gnomAD); In silico analysis supports that this missense variant has a deleterious effect on protein structure/function; In silico analysis suggests this variant may impact gene splicing. In the absence of RNA/functional studies, the actual effect of this sequence change is unknown.; This variant is associated with the following publications: (PMID: 20819849, 31130284, 30055843, 22142868, 36462614, 20818383)

Genomic Medicine Center of Excellence, King Faisal Specialist Hospital and Research Centre
Classification: Uncertain significance for Mitochondrial complex I deficiency, nuclear type 6. Last evaluated: 2024-03-14. Review status: criteria provided, single submitter. Criteria: ACMG Guidelines, 2015. Collection method: research. Allele origin: germline.

Blueprint Genetics
Classification: Likely pathogenic for NDUFS2-related disorders. Last evaluated: 2023-04-21. Review status: criteria provided, single submitter. Criteria: ACMG Guidelines, 2015. Collection method: clinical testing. Allele origin: germline. Affected: yes. Observed: 3 variant alleles.

Genome-Nilou Lab
Classification: Uncertain significance for Mitochondrial complex I deficiency, nuclear type 6. Last evaluated: 2023-04-11. Review status: criteria provided, single submitter. Criteria: ACMG Guidelines, 2015. Collection method: clinical testing. Allele origin: germline. Affected: no.

Labcorp Genetics (formerly Invitae), Labcorp
Classification: Uncertain significance. Last evaluated: 2022-12-02. Review status: criteria provided, single submitter. Criteria: Invitae Variant Classification Sherloc (09022015). Collection method: clinical testing. Allele origin: germline.
Comment: This missense change has been observed in individuals with mitochondrial complex I deficiency (PMID: 20818383, 20819849). In summary, the available evidence is currently insufficient to determine the role of this variant in disease. Therefore, it has been classified as a Variant of Uncertain Significance. Algorithms developed to predict the effect of sequence changes on RNA splicing suggest that this variant may create or strengthen a splice site. Advanced modeling of protein sequence and biophysical properties (such as structural, functional, and spatial information, amino acid conservation, physicochemical variation, residue mobility, and thermodynamic stability) performed at Invitae indicates that this missense variant is expected to disrupt NDUFS2 protein function. ClinVar contains an entry for this variant (Variation ID: 1303015). This variant is present in population databases (rs150981760, gnomAD 0.004%). This sequence change replaces arginine, which is basic and polar, with glutamine, which is neutral and polar, at codon 333 of the NDUFS2 protein (p.Arg333Gln).

Literature cited by the submitters: PubMed 20818383 (cited by Labcorp Genetics (formerly Invitae), Labcorp); PubMed 20819849 (cited by Labcorp Genetics (formerly Invitae), Labcorp).